The following is an entry in ClinVar:

NM_001252024.2(TRPM1):c.2955G>A (p.Met985Ile)

Genes: TRPM1 (transient receptor potential cation channel subfamily M member 1; minus strand), TRPM1-AS1 (TRPM1 antisense RNA 1; plus strand). Cytogenetic location: 15q13.3.
Variant type: single nucleotide variant.
Coding change: c.2955G>A on transcript NM_001252024.2 (MANE Select); coding-DNA position 2955, G replaced by A.
Protein change: p.Met985Ile; replaces methionine 985 with isoleucine.
Molecular consequence: missense variant.
Genome position (GRCh38, 1-based): chr15:31,031,155, C>T on the plus strand (G>A on the coding strand, the complement: TRPM1 is on the minus strand). VCF-style: chr15-31031155-C-T. GRCh37 (hg19) VCF-style: chr15-31323358-C-T.
Other names: c.3006G>A, p.Met1002Ile (NM_001252020.2); c.2889G>A, p.Met963Ile (NM_002420.6); short protein forms M1002I, M963I, M985I.
Identifiers: ClinVar variation 1499730 (VCV001499730.7), dbSNP rs756035017, ClinGen allele CA7452014.

ClinVar aggregate classification (germline): Uncertain significance (1 of 4 stars; one submission).

Allele frequency attached by ClinVar (database versions not stated): gnomAD exomes 0.00001; TOPMed 0.00001; ExAC 0.00002.
gnomAD v4.1: 3 of 1,614,208 alleles (0.00019%); highest among the groups gnomAD compares: East Asian, 0.0022%; no homozygotes.

Submission:

Labcorp Genetics (formerly Invitae), Labcorp
Classification: Uncertain significance. Last evaluated: 2024-11-05. Review status: criteria provided, single submitter. Criteria: Invitae Variant Classification Sherloc (09022015). Collection method: clinical testing. Allele origin: germline.
Comment: This sequence change replaces methionine, which is neutral and non-polar, with isoleucine, which is neutral and non-polar, at codon 963 of the TRPM1 protein (p.Met963Ile). This variant is present in population databases (rs756035017, gnomAD 0.006%). This variant has not been reported in the literature in individuals affected with TRPM1-related conditions. ClinVar contains an entry for this variant (Variation ID: 1499730). Invitae Evidence Modeling of protein sequence and biophysical properties (such as structural, functional, and spatial information, amino acid conservation, physicochemical variation, residue mobility, and thermodynamic stability) indicates that this missense variant is not expected to disrupt TRPM1 protein function with a negative predictive value of 95%. In summary, the available evidence is currently insufficient to determine the role of this variant in disease. Therefore, it has been classified as a Variant of Uncertain Significance.